The following is an entry in ClinVar:

NM_001943.5(DSG2):c.1124T>C (p.Ile375Thr)

Gene: DSG2 (desmoglein 2; plus strand). Cytogenetic location: 18q12.1.
Variant type: single nucleotide variant.
Coding change: c.1124T>C on transcript NM_001943.5 (MANE Select); coding-DNA position 1124, T replaced by C.
Protein change: p.Ile375Thr; replaces isoleucine 375 with threonine.
Molecular consequence: missense variant.
Genome position (GRCh38, 1-based): chr18:31,531,096, T>C. VCF-style: chr18-31531096-T-C. GRCh37 (hg19) VCF-style: chr18-29111059-T-C.
Other names: short protein forms I375T.
Identifiers: ClinVar variation 4614015 (VCV004614015.1).

ClinVar aggregate classification (germline): Uncertain significance (1 of 4 stars; one submission).

Conditions:
Cardiovascular phenotype. Identifiers: MedGen CN230736.

Submission:

Ambry Genetics
Classification: Uncertain significance for Cardiovascular phenotype. Last evaluated: 2025-10-25. Review status: criteria provided, single submitter. Criteria: Ambry Variant Classification Scheme 2023. Collection method: clinical testing. Allele origin: germline.
Comment: The p.I375T variant (also known as c.1124T>C), located in coding exon 9 of the DSG2 gene, results from a T to C substitution at nucleotide position 1124. The isoleucine at codon 375 is replaced by threonine, an amino acid with similar properties. This amino acid position is conserved. In addition, the in silico prediction for this alteration is inconclusive. Based on the available evidence, the clinical significance of this variant remains unclear.